The following is an entry in ClinVar:

NM_004523.4(KIF11):c.1013C>T (p.Pro338Leu)

Gene: KIF11 (kinesin family member 11; plus strand). Cytogenetic location: 10q23.33.
Variant type: single nucleotide variant.
Coding change: c.1013C>T on transcript NM_004523.4 (MANE Select); coding-DNA position 1013, C replaced by T.
Protein change: p.Pro338Leu; replaces proline 338 with leucine.
Molecular consequence: missense variant.
Genome position (GRCh38, 1-based): chr10:92,613,600, C>T. VCF-style: chr10-92613600-C-T. GRCh37 (hg19) VCF-style: chr10-94373357-C-T.
Other names: short protein forms P338L.
Identifiers: ClinVar variation 2811605 (VCV002811605.3), dbSNP rs2492490410, ClinGen allele CA377590656.

ClinVar aggregate classification (germline): Uncertain significance (1 of 4 stars; one submission).

Submission:

Labcorp Genetics (formerly Invitae), Labcorp
Classification: Uncertain significance. Last evaluated: 2024-10-07. Review status: criteria provided, single submitter. Criteria: Invitae Variant Classification Sherloc (09022015). Collection method: clinical testing. Allele origin: germline.
Comment: This sequence change replaces proline, which is neutral and non-polar, with leucine, which is neutral and non-polar, at codon 338 of the KIF11 protein (p.Pro338Leu). This variant is not present in population databases (gnomAD no frequency). This variant has not been reported in the literature in individuals affected with KIF11-related conditions. Invitae Evidence Modeling of protein sequence and biophysical properties (such as structural, functional, and spatial information, amino acid conservation, physicochemical variation, residue mobility, and thermodynamic stability) has been performed for this missense variant. However, the output from this modeling did not meet the statistical confidence thresholds required to predict the impact of this variant on KIF11 protein function. In summary, the available evidence is currently insufficient to determine the role of this variant in disease. Therefore, it has been classified as a Variant of Uncertain Significance.